The following is an entry in ClinVar:

NM_002460.4(IRF4):c.86T>G (p.Ile29Ser)

Gene: IRF4 (interferon regulatory factor 4; plus strand). Cytogenetic location: 6p25.3.
Variant type: single nucleotide variant.
Coding change: c.86T>G on transcript NM_002460.4 (MANE Select); coding-DNA position 86, T replaced by G.
Protein change: p.Ile29Ser; replaces isoleucine 29 with serine.
Molecular consequence: missense variant. On other transcripts: non-coding transcript variant (1).
Genome position (GRCh38, 1-based): chr6:393,238, T>G. VCF-style: chr6-393238-T-G. GRCh37 (hg19) VCF-style: chr6-393238-T-G.
Other names: c.86T>G, p.Ile29Ser (NM_001195286.2); short protein forms I29S.
Identifiers: ClinVar variation 1461971 (VCV001461971.8), dbSNP rs1761165092, ClinGen allele CA362546397.

ClinVar aggregate classification (germline): Uncertain significance (1 of 4 stars; one submission).

Allele frequency attached by ClinVar (database versions not stated): gnomAD exomes below 0.00001; TOPMed below 0.00001; gnomAD 0.00001.
gnomAD v4.1: 2 of 1,578,798 alleles (0.00013%); highest among the groups gnomAD compares: Non-Finnish European, 0.00017%; no homozygotes.

Submission:

Labcorp Genetics (formerly Invitae), Labcorp
Classification: Uncertain significance. Last evaluated: 2020-12-24. Review status: criteria provided, single submitter. Criteria: Invitae Variant Classification Sherloc (09022015). Collection method: clinical testing. Allele origin: germline.
Comment: In summary, the available evidence is currently insufficient to determine the role of this variant in disease. Therefore, it has been classified as a Variant of Uncertain Significance. Algorithms developed to predict the effect of missense changes on protein structure and function are either unavailable or do not agree on the potential impact of this missense change (SIFT: "Deleterious"; PolyPhen-2: "Probably Damaging"; Align-GVGD: "Class C0"). This variant has not been reported in the literature in individuals with IRF4-related conditions. This variant is not present in population databases (ExAC no frequency). This sequence change replaces isoleucine with serine at codon 29 of the IRF4 protein (p.Ile29Ser). The isoleucine residue is highly conserved and there is a large physicochemical difference between isoleucine and serine.